The following is an entry in ClinVar:

ClinVar aggregate classification (germline): Uncertain significance. Review status: criteria provided, multiple submitters, no conflicts (2 of 4 stars). 2 submissions from 2 submitters: Uncertain significance (2). Last evaluated 2025-02-12.

Allele frequency attached by ClinVar (database versions not stated): gnomAD exomes below 0.00001.
gnomAD v4.1: 5 of 1,613,976 alleles (0.00031%); highest among the groups gnomAD compares: East Asian, 0.0022%; no homozygotes.

Submissions (2):

Labcorp Genetics (formerly Invitae), Labcorp
Classification: Uncertain significance. Last evaluated: 2025-02-12. Review status: criteria provided, single submitter. Criteria: Invitae Variant Classification Sherloc (09022015). Collection method: clinical testing. Allele origin: germline.
Comment: This sequence change replaces isoleucine, which is neutral and non-polar, with valine, which is neutral and non-polar, at codon 262 of the DNM1L protein (p.Ile262Val). This variant is present in population databases (no rsID available, gnomAD 0.006%). This variant has not been reported in the literature in individuals affected with DNM1L-related conditions. ClinVar contains an entry for this variant (Variation ID: 2067334). An algorithm developed to predict the effect of missense changes on protein structure and function (PolyPhen-2) suggests that this variant is likely to be tolerated. In summary, the available evidence is currently insufficient to determine the role of this variant in disease. Therefore, it has been classified as a Variant of Uncertain Significance.

GeneDx
Classification: Uncertain significance. Last evaluated: 2024-12-12. Review status: criteria provided, single submitter. Criteria: GeneDx Variant Classification Process June 2021. Collection method: clinical testing. Allele origin: germline. Affected: yes.
Comment: Has not been previously published as pathogenic or benign to our knowledge; In silico analysis indicates that this missense variant does not alter protein structure/function

NM_012062.5(DNM1L):c.784A>G (p.Ile262Val)

Gene: DNM1L (dynamin 1 like; plus strand). Cytogenetic location: 12p11.21.
Variant type: single nucleotide variant.
Coding change: c.784A>G on transcript NM_012062.5 (MANE Select); coding-DNA position 784, A replaced by G.
Protein change: p.Ile262Val; replaces isoleucine 262 with valine.
Molecular consequence: missense variant.
Genome position (GRCh38, 1-based): chr12:32,720,707, A>G. VCF-style: chr12-32720707-A-G. GRCh37 (hg19) VCF-style: chr12-32873641-A-G.
Other names: c.784A>G (NM_012062.3); c.784A>G, p.Ile262Val (NM_001278463.2, NM_005690.5, NM_012063.4); c.823A>G, p.Ile275Val (NM_001278464.2, NM_001278465.2, NM_001330380.2); c.175A>G, p.Ile59Val (NM_001278466.2); short protein forms I59V, I262V, I275V.
Identifiers: ClinVar variation 2067334 (VCV002067334.5), dbSNP rs1450536271, ClinGen allele CA384369217.